The following is an entry in ClinVar:

ClinVar aggregate classification (germline): Uncertain significance (1 of 4 stars; one submission).

Conditions:
Myopathy, proximal, and ophthalmoplegia (CMYO6). Also called: CONGENITAL MYOPATHY 6 WITH OPHTHALMOPLEGIA; INCLUSION BODY MYOPATHY 3, AUTOSOMAL DOMINANT; MYOPATHY WITH CONGENITAL JOINT CONTRACTURES, OPHTHALMOPLEGIA, AND RIMMED VACUOLES. Identifiers: Orphanet 363677, Orphanet 79091, MedGen C1854106, MONDO:0011577, OMIM 605637.

Allele frequency attached by ClinVar (database versions not stated): gnomAD exomes below 0.00001; TOPMed below 0.00001; ExAC 0.00001; gnomAD 0.00001; ESP Exome Variant Server 0.00008.
gnomAD v4.1: 2 of 1,613,992 alleles (0.00012%); highest among the groups gnomAD compares: Non-Finnish European, 0.00017%; no homozygotes.

Submission:

Labcorp Genetics (formerly Invitae), Labcorp
Classification: Uncertain significance for Myopathy, proximal, and ophthalmoplegia. Last evaluated: 2021-02-03. Review status: criteria provided, single submitter. Criteria: Invitae Variant Classification Sherloc (09022015). Collection method: clinical testing. Allele origin: germline.
Comment: In summary, the available evidence is currently insufficient to determine the role of this variant in disease. Therefore, it has been classified as a Variant of Uncertain Significance. Algorithms developed to predict the effect of missense changes on protein structure and function (SIFT, PolyPhen-2, Align-GVGD) all suggest that this variant is likely to be disruptive, but these predictions have not been confirmed by published functional studies and their clinical significance is uncertain. This variant has not been reported in the literature in individuals with MYH2-related conditions. This variant is present in population databases (rs142443410, ExAC 0.001%). This sequence change replaces glutamine with glutamic acid at codon 698 of the MYH2 protein (p.Gln698Glu). The glutamine residue is highly conserved and there is a small physicochemical difference between glutamine and glutamic acid.

NM_017534.6(MYH2):c.2092C>G (p.Gln698Glu)

Genes: MYH2 (myosin heavy chain 2; minus strand), MYHAS (myosin heavy chain gene cluster antisense RNA; plus strand). Cytogenetic location: 17p13.1.
Variant type: single nucleotide variant.
Coding change: c.2092C>G on transcript NM_017534.6 (MANE Select); coding-DNA position 2092, C replaced by G.
Protein change: p.Gln698Glu; replaces glutamine 698 with glutamic acid.
Molecular consequence: missense variant.
Genome position (GRCh38, 1-based): chr17:10,535,161, G>C on the plus strand (C>G on the coding strand, the complement: MYH2 is on the minus strand). VCF-style: chr17-10535161-G-C. GRCh37 (hg19) VCF-style: chr17-10438478-G-C.
Other names: c.2092C>G, p.Gln698Glu (NM_001100112.2); short protein forms Q698E.
Identifiers: ClinVar variation 1392029 (VCV001392029.8), dbSNP rs142443410, ClinGen allele CA8391212.